The following is an entry in ClinVar:

NM_004369.4(COL6A3):c.1688A>G (p.Asp563Gly)

Gene: COL6A3 (collagen type VI alpha 3 chain; minus strand). Cytogenetic location: 2q37.3.
Variant type: single nucleotide variant.
Coding change: c.1688A>G on transcript NM_004369.4 (MANE Select); coding-DNA position 1688, A replaced by G.
Protein change: p.Asp563Gly; replaces aspartic acid 563 with glycine.
Molecular consequence: missense variant.
Genome position (GRCh38, 1-based): chr2:237,381,124, T>C on the plus strand (A>G on the coding strand, the complement: COL6A3 is on the minus strand). VCF-style: chr2-237381124-T-C. GRCh37 (hg19) VCF-style: chr2-238289767-T-C.
Other names: p.D563G:GAT>GGT; c.467A>G, p.Asp156Gly (NM_057164.5, NM_057166.5); c.1070A>G, p.Asp357Gly (NM_057165.5, NM_057167.4); short protein forms D357G, D156G.
Identifiers: ClinVar variation 94910 (VCV000094910.64), dbSNP rs112913396, ClinGen allele CA222588.

ClinVar aggregate classification (germline): Benign/Likely benign. Review status: criteria provided, multiple submitters, no conflicts (2 of 4 stars). 11 submissions from 11 submitters: Benign (1); Likely benign (7). 3 of the submissions do not count toward it. Last evaluated 2026-10-01.

Conditions:
COL6A3-related disorder. Also called: COL6A3-related condition; COL6A3-related disorders.
Bethlem myopathy 1A. Also called: MYOPATHY, BENIGN CONGENITAL, WITH CONTRACTURES; Bethlem myopathy 1; Bethlem Muscular Dystrophy. Identifiers: Orphanet 610, MedGen CN029274, MONDO:0024530, OMIM 158810.
Collagen 6-related myopathy. Identifiers: MedGen CN117976, MONDO:0100225.

Allele frequency attached by ClinVar (database versions not stated): ExAC 0.00232; 1000 Genomes Project 30x 0.00047; ESP Exome Variant Server 0.00169; gnomAD 0.00220 and 0.00214; gnomAD exomes 0.00216; TOPMed 0.00219; 1000 Genomes Project 0.00040.
gnomAD v4.1: 5,116 of 1,614,244 alleles (0.32%); highest among the groups gnomAD compares: Non-Finnish European, 0.39%; 12 homozygotes.

Submissions (17):

CeGaT Center for Human Genetics Tuebingen
Classification: Likely benign. Last evaluated: 2026-10-01. Review status: criteria provided, single submitter. Criteria: CeGaT Center For Human Genetics Tuebingen Variant Classification Criteria Version 2. Collection method: clinical testing. Allele origin: germline. Affected: yes. Observed: 39 variant alleles.
Comment: COL6A3: BP4

Labcorp Genetics (formerly Invitae), Labcorp
Classification: Likely benign for Bethlem myopathy 1A. Last evaluated: 2026-02-03. Review status: criteria provided, single submitter. Criteria: Invitae Variant Classification Sherloc (09022015). Collection method: clinical testing. Allele origin: germline.

Women's Health and Genetics/Laboratory Corporation of America, LabCorp
Classification: Likely benign. Last evaluated: 2025-04-16. Review status: criteria provided, single submitter. Criteria: LabCorp Variant Classification Summary - May 2015. Collection method: clinical testing. Allele origin: germline.
Comment: Variant summary: COL6A3 c.1688A>G (p.Asp563Gly) results in a non-conservative amino acid change located in the VWFA domain (IPR002035) of the encoded protein sequence. Four of five in-silico tools predict a damaging effect of the variant on protein function. The variant allele was found at a frequency of 0.0022 in 251460 control chromosomes, predominantly at a frequency of 0.0036 within the Non-Finnish European subpopulation in the gnomAD database. The observed variant frequency within Non-Finnish European control individuals in the gnomAD database is approximately 1 fold of the estimated maximal expected allele frequency for a pathogenic variant in COL6A3 causing Ullrich congenital muscular dystrophy 1-AR phenotype (0.0035). c.1688A>G has been observed in individual(s) affected with myopathy and Cerebral palsy without strong evidence for causality (Butterfield_2013, Papa_2018, Pingel_2019, Molina-Ramrez_2022, Eker_2022, Zanotti_2023). These report(s) do not provide unequivocal conclusions about association of the variant with Ullrich congenital muscular dystrophy 1-AR. To our knowledge, no experimental evidence demonstrating an impact on protein function has been reported. The following publications have been ascertained in the context of this evaluation (PMID: 24038877, 35846108, 33879512, 28097933, 30467950, 36982625). ClinVar contains an entry for this variant (Variation ID: 94910). Based on the evidence outlined above, the variant was classified as likely benign.

Mayo Clinic Laboratories, Mayo Clinic
Classification: Likely benign. Last evaluated: 2025-01-20. Review status: criteria provided, single submitter. Criteria: ACMG Guidelines, 2015. Collection method: clinical testing. Allele origin: germline. Observed: 8 variant alleles.
Comment: BS1, BS2

Blueprint Genetics
Classification: Likely benign. Last evaluated: 2024-11-21. Review status: criteria provided, single submitter. Criteria: ACMG Guidelines, 2015. Collection method: clinical testing. Allele origin: germline.

GeneDx
Classification: Likely benign. Last evaluated: 2021-02-11. Review status: criteria provided, single submitter. Criteria: GeneDx Variant Classification Process June 2021. Collection method: clinical testing. Allele origin: germline. Affected: yes.
Comment: This variant is associated with the following publications: (PMID: 25214167, 23040494, 24038877, 28097933, 30467950)

Illumina Laboratory Services, Illumina
Classification: Benign for Collagen VI-related myopathy. Last evaluated: 2018-01-13. Review status: criteria provided, single submitter. Criteria: ICSL Variant Classification Criteria 13 December 2019. Collection method: clinical testing. Allele origin: germline.
Comment: This variant was observed in the ICSL laboratory as part of a predisposition screen in an ostensibly healthy population. It had not been previously curated by ICSL or reported in the Human Gene Mutation Database (HGMD: prior to June 1st, 2018), and was therefore a candidate for classification through an automated scoring system. Utilizing variant allele frequency, disease prevalence and penetrance estimates, and inheritance mode, an automated score was calculated to assess if this variant is too frequent to cause the disease. Based on the score and internal cut-off values, a variant classified as benign is not then subjected to further curation. The score for this variant resulted in a classification of benign for this disease.

Eurofins Ntd Llc (ga)
Classification: Likely benign. Last evaluated: 2015-08-17. Review status: criteria provided, single submitter. Criteria: EGL Classification Definitions 2015. Collection method: clinical testing. Allele origin: germline. Observed: 6 variant alleles, 6 heterozygotes.

PreventionGenetics, part of Exact Sciences
Classification: Likely benign for COL6A3-related condition. Last evaluated: 2020-10-26. Review status: no assertion criteria provided. Collection method: clinical testing. Allele origin: germline. Not counted in ClinVar's aggregate classification.
Comment: This variant is classified as likely benign based on ACMG/AMP sequence variant interpretation guidelines (Richards et al. 2015 PMID: 25741868, with internal and published modifications).

Clinical Genetics DNA and cytogenetics Diagnostics Lab, Erasmus MC, Erasmus Medical Center
Classification: Uncertain significance. Review status: no assertion criteria provided. Collection method: clinical testing. Allele origin: germline. Affected: yes. Study: VKGL Data-share Consensus. Not counted in ClinVar's aggregate classification.

Dr. Peter K. Rogan Lab, Western University
No classification provided (evidence only). Condition: Lung cancer. Review status: no classification provided. Collection method: in vitro. Allele origin: not applicable. Functional consequence: retained intron. Not counted in ClinVar's aggregate classification.

Dr. Peter K. Rogan Lab, Western University
No classification provided (evidence only). Condition: Melanoma. Review status: no classification provided. Collection method: in vitro. Allele origin: not applicable. Functional consequence: retained intron. Not counted in ClinVar's aggregate classification.

Dr. Peter K. Rogan Lab, Western University
No classification provided (evidence only). Condition: Melanoma. Review status: no classification provided. Collection method: in vitro. Allele origin: not applicable. Functional consequence: retained intron. Not counted in ClinVar's aggregate classification.

Dr. Peter K. Rogan Lab, Western University
No classification provided (evidence only). Condition: Acute myeloid leukemia. Review status: no classification provided. Collection method: in vitro. Allele origin: not applicable. Functional consequence: retained intron. Not counted in ClinVar's aggregate classification.

Dr. Peter K. Rogan Lab, Western University
No classification provided (evidence only). Condition: Cervical cancer. Review status: no classification provided. Collection method: in vitro. Allele origin: not applicable. Functional consequence: retained intron. Not counted in ClinVar's aggregate classification.

Dr. Peter K. Rogan Lab, Western University
No classification provided (evidence only). Condition: Gastric cancer. Review status: no classification provided. Collection method: in vitro. Allele origin: not applicable. Functional consequence: retained intron. Not counted in ClinVar's aggregate classification.

Laboratory of Diagnostic Genome Analysis, Leiden University Medical Center (LUMC)
Classification: Uncertain significance. Review status: no assertion criteria provided. Collection method: clinical testing. Allele origin: germline. Affected: yes. Study: VKGL Data-share Consensus. Not counted in ClinVar's aggregate classification.

Literature cited by the submitters: PubMed 24038877 (cited by Women's Health and Genetics/Laboratory Corporation of America, LabCorp); PubMed 30467950 (cited by Women's Health and Genetics/Laboratory Corporation of America, LabCorp and Mayo Clinic Laboratories, Mayo Clinic); PubMed 33879512 (cited by Women's Health and Genetics/Laboratory Corporation of America, LabCorp and Mayo Clinic Laboratories, Mayo Clinic); PubMed 35846108 (cited by Women's Health and Genetics/Laboratory Corporation of America, LabCorp); PubMed 28097933 (cited by Women's Health and Genetics/Laboratory Corporation of America, LabCorp); PubMed 36982625 (cited by Women's Health and Genetics/Laboratory Corporation of America, LabCorp); PubMed 34426522 (cited by Mayo Clinic Laboratories, Mayo Clinic).